The following is an entry in ClinVar:

NC_000022.10:g.(?_29083879)_(29095931_?)dup

Gene: CHEK2 (checkpoint kinase 2; minus strand). Cytogenetic location: 22q12.1.
Variant type: Duplication.
Identifiers: ClinVar variation 584001 (VCV000584001.2).

ClinVar aggregate classification (germline): Uncertain significance (1 of 4 stars; one submission).

Conditions:
Familial cancer of breast. Also called: Hereditary breast cancer; hereditary breast carcinoma; BREAST CANCER, FAMILIAL. Identifiers: Orphanet 227535, MedGen C0346153, MONDO:0016419, OMIM 114480. Disease mechanism: loss of function.

Submission:

Labcorp Genetics (formerly Invitae), Labcorp
Classification: Uncertain significance for Familial cancer of breast. Last evaluated: 2018-02-17. Review status: criteria provided, single submitter. Criteria: Invitae Variant Classification Sherloc (09022015). Collection method: clinical testing. Allele origin: germline.
Comment: This variant is a gross duplication of the genomic region encompassing exons 9 to 15 of the CHEK2 gene. The 5' boundary is likely confined to intron 8. The 3' end of this event is unknown as it extends beyond the assayed region for this gene and therefore may encompass additional genes. The exact location of this variant in the genome is unknown. This variant has not been reported in the literature in individuals with CHEK2-related disease. Experimental studies and prediction algorithms are not available for this variant, and the functional significance of the duplicated exons is currently unknown. In summary, the genomic location of this variant is unknown and the available evidence is currently insufficient to determine the role of this variant in disease. Therefore, it has been classified as a Variant of Uncertain Significance.